The following is an entry in ClinVar:

NM_000059.4(BRCA2):c.3723T>G (p.Phe1241Leu)

Gene: BRCA2 (BRCA2 DNA repair associated; plus strand). Cytogenetic location: 13q13.1.
Variant type: single nucleotide variant.
Coding change: c.3723T>G on transcript NM_000059.4 (MANE Select); coding-DNA position 3723, T replaced by G.
Protein change: p.Phe1241Leu; replaces phenylalanine 1241 with leucine.
Molecular consequence: missense variant.
Genome position (GRCh38, 1-based): chr13:32,338,078, T>G. VCF-style: chr13-32338078-T-G. GRCh37 (hg19) VCF-style: chr13-32912215-T-G.
Other names: short protein forms F1241L.
Identifiers: ClinVar variation 142795 (VCV000142795.32), dbSNP rs587782723, ClinGen allele CA018663.

ClinVar aggregate classification (germline): Conflicting classifications of pathogenicity. Review status: criteria provided, conflicting classifications (1 of 4 stars). 10 submissions from 9 submitters: Uncertain significance (8); Likely benign (2). Last evaluated 2025-10-31.

Conditions:
BRCA2-related cancer predisposition. Identifiers: MedGen CN377758, MONDO:0700269.
Hereditary cancer-predisposing syndrome. Also called: Neoplastic Syndromes, Hereditary; Hereditary neoplastic syndrome; Hereditary Cancer Syndrome; Tumor predisposition. Identifiers: Orphanet 140162, MedGen C0027672, MeSH D009386, MONDO:0015356.
Hereditary breast ovarian cancer syndrome. Also called: BRCA1- and BRCA2-Associated Hereditary Breast and Ovarian Cancer; Hereditary breast and ovarian cancer syndrome; Hereditary breast and ovarian cancer syndrome (HBOC); Hereditary breast and ovarian cancer; Breast and ovarian cancer; Hereditary breast and/or ovarian cancer syndrome. Identifiers: Orphanet 145, MedGen C0677776, MeSH D061325, MONDO:0003582. Disease mechanism: loss of function.
Breast-ovarian cancer, familial, susceptibility to, 2 (BROVCA2). Also called: BRCA2 Hereditary Breast and Ovarian Cancer. Identifiers: Orphanet 145, MedGen C2675520, MONDO:0012933, OMIM 612555. Disease mechanism: loss of function.
Prostate cancer. Also called: Malignant tumor of prostate. Identifiers: Orphanet 1331, MedGen C0376358, MONDO:0008315, HP:0012125.
Prostate neoplasm. Identifiers: MedGen C0033578, MeSH D011471, MONDO:0021259, HP:0100787.

Allele frequency attached by ClinVar (database versions not stated): ExAC 0.00001; gnomAD exomes below 0.00001.

Submissions (10):

Women's Health and Genetics/Laboratory Corporation of America, LabCorp
Classification: Uncertain significance. Last evaluated: 2025-10-31. Review status: criteria provided, single submitter. Criteria: LabCorp Variant Classification Summary - May 2015. Collection method: clinical testing. Allele origin: germline.
Comment: Variant summary: BRCA2 c.3723T>G (p.Phe1241Leu) results in a non-conservative amino acid change in the encoded protein sequence. Algorithms developed to predict the effect of missense changes on protein structure and function are either unavailable or do not agree on the potential impact of this missense change. The variant allele was found at a frequency of 4e-06 in 248448 control chromosomes. The available data on variant occurrences in the general population are insufficient to allow any conclusion about variant significance. c.3723T>G has been observed in individuals with a personal and/or family history of breast and/or ovarian cancer (e.g. Caux-Moncoutier_2011, Kanchi_2014, Santocito_2020, Yao_2022). These reports do not provide unequivocal conclusions about association of the variant with Hereditary Breast And Ovarian Cancer Syndrome. To our knowledge, no experimental evidence demonstrating an impact on protein function has been reported. The following publications have been ascertained in the context of this evaluation (PMID: 21120943, 24448499, 32438681, 35864222). ClinVar contains an entry for this variant (Variation ID: 142795). Based on the evidence outlined above, the variant was classified as uncertain significance.

Molecular Diagnostics Laboratory, Catalan Institute of Oncology
Classification: Likely benign for Hereditary cancer-predisposing syndrome. Last evaluated: 2025-02-19. Review status: criteria provided, single submitter. Criteria: ClinGen BRCA1BRCA2 ACMG Specifications BRCA2 V1.0.0. Collection method: clinical testing. Allele origin: germline.
Comment: PM2_Supporting, BP1_Strong c.3723T>G, located in exon 11 of the BRCA2 gene, is predicted to result in the substitution of phenylalanine by leucine at codon 1241, p.(Phe1241Leu). This position is outside a (potentially) clinically important functional domain and, moreover, the SpliceAI algorithm predicts no significant impact on splicing (BP1_strong). It is not present in the population database gnomAD v2.1.1, non-cancer dataset (PM2_supporting). This variant has been found in breast and/or ovarian cancer-affected patients (PMID: 24448499, 32438681, and data from our internal cohort of patients) This variant has been reported in the ClinVar database (5x uncertain significance, 1x likely benign), in the LOVD database (1x uncertain significance) and in BRCA Exchange database (not yet classified). Based on currently available information, the variant c.3723T>G should be considered an uncertain significance variant according to ClinGen ENIGMA BRCA1 and BRCA2 Expert Panel Specifications to the ACMG/AMP Variant Interpretation Guidelines for BRCA2 Version 1.0.0.

Labcorp Genetics (formerly Invitae), Labcorp
Classification: Uncertain significance for Hereditary breast ovarian cancer syndrome. Last evaluated: 2025-01-02. Review status: criteria provided, single submitter. Criteria: Invitae Variant Classification Sherloc (09022015). Collection method: clinical testing. Allele origin: germline.
Comment: This sequence change replaces phenylalanine, which is neutral and non-polar, with leucine, which is neutral and non-polar, at codon 1241 of the BRCA2 protein (p.Phe1241Leu). This variant is present in population databases (rs587782723, gnomAD 0.0009%). This missense change has been observed in individual(s) with a personal and/or family history of breast and/or ovarian cancer (PMID: 21120943, 24448499, 26689913, 32438681). ClinVar contains an entry for this variant (Variation ID: 142795). Invitae Evidence Modeling of protein sequence and biophysical properties (such as structural, functional, and spatial information, amino acid conservation, physicochemical variation, residue mobility, and thermodynamic stability) indicates that this missense variant is not expected to disrupt BRCA2 protein function with a negative predictive value of 95%. In summary, the available evidence is currently insufficient to determine the role of this variant in disease. Therefore, it has been classified as a Variant of Uncertain Significance.

Quest Diagnostics Nichols Institute San Juan Capistrano
Classification: Uncertain significance. Last evaluated: 2024-12-20. Review status: criteria provided, single submitter. Criteria: Quest Diagnostics criteria. Collection method: clinical testing. Allele origin: unknown.
Comment: The BRCA2 c.3723T>G (p.Phe1241Leu) variant has been reported in the published literature in individuals with a personal or family history of breast and/or ovarian cancer (PMID: 35864222 (2022), 32438681 (2020)), 31853058 (2020), 26689913 (2015), 24448499 (2014), 21120943 (2011)). This variant has been reported to be located in a region of the BRCA2 gene that is tolerant to missense sequence changes (PMID: 31911673 (2020)). The frequency of this variant in the general population (Genome Aggregation Database) is uninformative in the assessment of its pathogenicity. Analysis of this variant using bioinformatics tools for the prediction of the effect of amino acid changes on protein structure and function yielded predictions that this variant is damaging. Based on the available information, we are unable to determine the clinical significance of this variant.

All of Us Research Program, National Institutes of Health
Classification: Uncertain significance for BRCA2-related cancer predisposition. Last evaluated: 2024-05-30. Review status: criteria provided, single submitter. Criteria: ACMG Guidelines, 2015. Collection method: clinical testing. Allele origin: germline. Inheritance: Autosomal dominant inheritance. Observed: 2 variant alleles, 2 heterozygotes.
Comment: This missense variant replaces phenylalanine with leucine at codon 1241 of the BRCA2 protein. Computational prediction is inconclusive regarding the impact of this variant on protein structure and function (internally defined REVEL score threshold 0.5 < inconclusive < 0.7, PMID: 27666373). To our knowledge, functional studies have not been reported for this variant. This variant has been reported in individuals affected with breast or ovarian cancer (PMID: 21120943, 24448499, 26689913, 32438681). This variant has been identified in 1/248448 chromosomes in the general population by the Genome Aggregation Database (gnomAD). The available evidence is insufficient to determine the role of this variant in disease conclusively. Therefore, this variant is classified as a Variant of Uncertain Significance.

This study involves interpretation of variants in research participants for the purpose of population health screening. Participant phenotype was not available at the time of variant classification. Additional details can be found in publication PMID: 35346344, PMCID: PMC8962531

Ambry Genetics
Classification: Uncertain significance for Hereditary cancer-predisposing syndrome. Last evaluated: 2024-04-03. Review status: criteria provided, single submitter. Criteria: Ambry Variant Classification Scheme 2023. Collection method: clinical testing. Allele origin: germline.
Comment: The p.F1241L variant (also known as c.3723T>G), located in coding exon 10 of the BRCA2 gene, results from a T to G substitution at nucleotide position 3723. The phenylalanine at codon 1241 is replaced by leucine, an amino acid with highly similar properties. This alteration has been reported in patients with a personal and/or family history of breast and/or ovarian cancer (Caux-Moncoutier V et al. Hum Mutat. 2011 Mar;32(3):325-34; Kanchi KL et al. Nat Commun. 2014;5:3156; Santonocito C et al. Cancers (Basel). 2020 May;12; Yao L et al. J Hum Genet, 2022 Nov;67:639-642). This amino acid position is highly conserved in available vertebrate species. In addition, the in silico prediction for this alteration is inconclusive. Based on the available evidence, the clinical significance of this variant remains unclear.

GeneDx
Classification: Uncertain significance. Last evaluated: 2023-09-05. Review status: criteria provided, single submitter. Criteria: GeneDx Variant Classification Process June 2021. Collection method: clinical testing. Allele origin: germline. Affected: yes.
Comment: Identified in individuals with a personal or family history of ovarian and/or breast cancer (Kanchi et al., 2014; Santonocito et al, 2020; Caux-Moncoutier et al., 2011); Not observed at significant frequency in large population cohorts (gnomAD); In silico analysis supports that this missense variant has a deleterious effect on protein structure/function; Also known as 3951T>G; This variant is associated with the following publications: (PMID: 24448499, 21120943, 31911673, 32377563, 29884841, 31853058, 32438681, 9002670, 22193408, 26689913)

University of Washington Department of Laboratory Medicine, University of Washington
Classification: Likely benign for Hereditary cancer-predisposing syndrome. Last evaluated: 2023-03-23. Review status: criteria provided, single submitter. Criteria: Dines et al. (Genet Med. 2020). Collection method: curation. Allele origin: germline.
Comment: Missense variant in a coldspot region where missense variants are very unlikely to be pathogenic (PMID:31911673).

BRCA2 exon 11 coldspot. Reclassification based on statistical prior probability.

Centre for Mendelian Genomics, University Medical Centre Ljubljana
Classification: Uncertain significance for Breast-ovarian cancer, familial, susceptibility to, 2. Last evaluated: 2016-01-01. Review status: criteria provided, single submitter. Criteria: ACMG Guidelines, 2015. Collection method: clinical testing. Allele origin: unknown. Affected: yes.
Comment: This variant was classified as: Uncertain significance.

Centre for Mendelian Genomics, University Medical Centre Ljubljana
Classification: Uncertain significance for Prostate cancer; Prostate neoplasm. Last evaluated: 2015-12-04. Review status: criteria provided, single submitter. Criteria: ACMG Guidelines, 2015. Collection method: clinical testing. Allele origin: unknown. Affected: yes.

Literature cited by the submitters: PubMed 21120943 (cited by 5 submitters); PubMed 24448499 (cited by 5 submitters); PubMed 32438681 (cited by 5 submitters); PubMed 35864222 (cited by 3 submitters); PubMed 26689913 (cited by 3 submitters); PubMed 31911673 (cited by Quest Diagnostics Nichols Institute San Juan Capistrano); PubMed 31853058 (cited by Quest Diagnostics Nichols Institute San Juan Capistrano).